The following is an entry in ClinVar:

NM_001042492.3(NF1):c.1886G>A (p.Gly629Glu)

Gene: NF1 (neurofibromin 1; plus strand). Cytogenetic location: 17q11.2.
Variant type: single nucleotide variant.
Coding change: c.1886G>A on transcript NM_001042492.3 (MANE Select); coding-DNA position 1886, G replaced by A.
Protein change: p.Gly629Glu; replaces glycine 629 with glutamic acid.
Molecular consequence: missense variant.
Genome position (GRCh38, 1-based): chr17:31,225,135, G>A. VCF-style: chr17-31225135-G-A. GRCh37 (hg19) VCF-style: chr17-29552153-G-A.
Other names: c.1886G>A, p.Gly629Glu (NM_000267.4); short protein forms G629E.
Identifiers: ClinVar variation 4615800 (VCV004615800.2).

ClinVar aggregate classification (germline): Uncertain significance. Review status: criteria provided, multiple submitters, no conflicts (2 of 4 stars). 2 submissions from 2 submitters: Uncertain significance (2). Last evaluated 2026-01-20.

Conditions:
Hereditary cancer-predisposing syndrome. Also called: Hereditary neoplastic syndrome; Hereditary Cancer Syndrome; Neoplastic Syndromes, Hereditary; Tumor predisposition. Identifiers: Orphanet 140162, MedGen C0027672, MeSH D009386, MONDO:0015356.
Cardiovascular phenotype. Identifiers: MedGen CN230736.
Neurofibromatosis, type 1 (NF1). Also called: Peripheral type neurofibromatosis; VON RECKLINGHAUSEN DISEASE; Neurofibromatosis, type I; NEUROFIBROMATOSIS, TYPE I, SOMATIC. Identifiers: Orphanet 636, MedGen C0027831, MONDO:0018975, OMIM 162200. Disease mechanism: loss of function.

Submissions (2):

Labcorp Genetics (formerly Invitae), Labcorp
Classification: Uncertain significance for Neurofibromatosis, type 1. Last evaluated: 2026-01-20. Review status: criteria provided, single submitter. Criteria: Invitae Variant Classification Sherloc (09022015). Collection method: clinical testing. Allele origin: germline.
Comment: This sequence change replaces glycine, which is neutral and non-polar, with glutamic acid, which is acidic and polar, at codon 629 of the NF1 protein (p.Gly629Glu). This variant is not present in population databases (gnomAD no frequency). This variant has not been reported in the literature in individuals affected with NF1-related conditions. Invitae Evidence Modeling of protein sequence and biophysical properties (such as structural, functional, and spatial information, amino acid conservation, physicochemical variation, residue mobility, and thermodynamic stability) indicates that this missense variant is not expected to disrupt NF1 protein function with a negative predictive value of 95%. In summary, the available evidence is currently insufficient to determine the role of this variant in disease. Therefore, it has been classified as a Variant of Uncertain Significance.

Ambry Genetics
Classification: Uncertain significance for Cardiovascular phenotype; Hereditary cancer-predisposing syndrome. Last evaluated: 2025-11-14. Review status: criteria provided, single submitter. Criteria: Ambry Variant Classification Scheme 2023. Collection method: clinical testing. Allele origin: germline.
Comment: The p.G629E variant (also known as c.1886G>A), located in coding exon 17 of the NF1 gene, results from a G to A substitution at nucleotide position 1886. The glycine at codon 629 is replaced by glutamic acid, an amino acid with similar properties. This amino acid position is highly conserved in available vertebrate species. In addition, the in silico prediction for this alteration is inconclusive. Based on the available evidence, the clinical significance of this variant remains unclear.